The following is an entry in ClinVar:

NM_001961.4(EEF2):c.1480A>T (p.Met494Leu)

Gene: EEF2 (eukaryotic translation elongation factor 2; minus strand). Cytogenetic location: 19p13.3.
Variant type: single nucleotide variant.
Coding change: c.1480A>T on transcript NM_001961.4 (MANE Select); coding-DNA position 1480, A replaced by T.
Protein change: p.Met494Leu; replaces methionine 494 with leucine.
Molecular consequence: missense variant.
Genome position (GRCh38, 1-based): chr19:3,979,933, T>A on the plus strand (A>T on the coding strand, the complement: EEF2 is on the minus strand). VCF-style: chr19-3979933-T-A. GRCh37 (hg19) VCF-style: chr19-3979931-T-A.
Other names: short protein forms M494L.
Identifiers: ClinVar variation 2627502 (VCV002627502.1), dbSNP rs1265419611, ClinGen allele CA403392073.
Genomic context (GRCh38, chr19:3,979,933, plus strand): 5'-GGTTCTTGGCCTCCACGGCCACTCTGACAACAGGGCTGACGCTGAACTTCATCACCCGCA[T>A]GTTGTGCGCGTGCTCGAAGGTGGTGATGGTGCCCGTCTTCACCAGGAACTGGTCCACGCC-3'
Protein context (NP_001952.1, residues 484-504): TITTFEHAHN[Met494Leu]RVMKFSVSPV

ClinVar aggregate classification (germline): Uncertain significance (1 of 4 stars; one submission).

Conditions:
Spinocerebellar ataxia type 26 (SCA26). Identifiers: Orphanet 101112, MedGen C1836395, MONDO:0012246, OMIM 609306.

Allele frequency attached by ClinVar (database versions not stated): gnomAD exomes below 0.00001.
gnomAD v4.1: 1 of 1,613,928 alleles (0.000062%); highest among the groups gnomAD compares: African/African-American, 0.0013%; no homozygotes.

Submission:

Neuberg Centre For Genomic Medicine, NCGM
Classification: Uncertain significance for Spinocerebellar ataxia type 26. Review status: criteria provided, single submitter. Criteria: ACMG Guidelines, 2015. Collection method: clinical testing. Allele origin: germline. Inheritance: Autosomal dominant inheritance. Affected: yes.
Comment: The missense variant p.M494L in EEF2 (NM_001961.4) has not been reported previously as a pathogenic variant nor as a benign variant, to our knowledge. The p.M494L variant is novel (not in any individuals) in gnomAD Exomes and is novel (not in any individuals) in 1000 Genomes. In silico predictions predict a tolerated effect and the residue is conserved across species. For these reasons, this variant has been classified as Uncertain Significance.